The following is an entry in ClinVar:

ClinVar aggregate classification (germline): Uncertain significance. Review status: criteria provided, multiple submitters, no conflicts (2 of 4 stars). 4 submissions from 4 submitters: Uncertain significance (4). Last evaluated 2023-08-01.

Conditions:
Neuronopathy, distal hereditary motor, autosomal recessive 4. Also called: NEUROPATHY, DISTAL HEREDITARY MOTOR, AUTOSOMAL RECESSIVE 4; Autosomal recessive lower motor neuron disease with childhood onset. Identifiers: Orphanet 206580, MedGen C1970211, MONDO:0012608, OMIM 611067.
Inborn genetic diseases. Identifiers: MedGen C0950123, MeSH D030342.
Charcot-Marie-Tooth disease recessive intermediate C. Also called: CHARCOT-MARIE-TOOTH NEUROPATHY, RECESSIVE INTERMEDIATE C. Identifiers: Orphanet 369867, MedGen C3809309, MONDO:0014154, OMIM 615376.

Allele frequency attached by ClinVar (database versions not stated): ExAC 0.00002; gnomAD exomes 0.00003 and 0.00006; TOPMed 0.00003; gnomAD 0.00005 and 0.00006.
gnomAD v4.1: 57 of 1,611,654 alleles (0.0035%); highest among the groups gnomAD compares: East Asian, 0.0022%; no homozygotes.

Submissions (4):

CeGaT Center for Human Genetics Tuebingen
Classification: Uncertain significance. Last evaluated: 2023-08-01. Review status: criteria provided, single submitter. Criteria: CeGaT Center For Human Genetics Tuebingen Variant Classification Criteria Version 2. Collection method: clinical testing. Allele origin: germline. Affected: yes. Observed: 1 variant allele.
Comment: PLEKHG5: PM2

Labcorp Genetics (formerly Invitae), Labcorp
Classification: Uncertain significance for Neuronopathy, distal hereditary motor, autosomal recessive 4; Charcot-Marie-Tooth disease recessive intermediate C. Last evaluated: 2022-10-19. Review status: criteria provided, single submitter. Criteria: Invitae Variant Classification Sherloc (09022015). Collection method: clinical testing. Allele origin: germline.
Comment: This sequence change replaces arginine, which is basic and polar, with tryptophan, which is neutral and slightly polar, at codon 356 of the PLEKHG5 protein (p.Arg356Trp). This variant is present in population databases (rs764053619, gnomAD 0.1%). This variant has not been reported in the literature in individuals affected with PLEKHG5-related conditions. ClinVar contains an entry for this variant (Variation ID: 536784). Algorithms developed to predict the effect of missense changes on protein structure and function are either unavailable or do not agree on the potential impact of this missense change (SIFT: "Deleterious"; PolyPhen-2: "Benign"; Align-GVGD: "Class C0"). In summary, the available evidence is currently insufficient to determine the role of this variant in disease. Therefore, it has been classified as a Variant of Uncertain Significance.

Ambry Genetics
Classification: Uncertain significance for Inborn genetic diseases. Last evaluated: 2021-10-04. Review status: criteria provided, single submitter. Criteria: Ambry Variant Classification Scheme 2023. Collection method: clinical testing. Allele origin: germline.
Comment: The p.R356W variant (also known as c.1066C>T), located in coding exon 9 of the PLEKHG5 gene, results from a C to T substitution at nucleotide position 1066. The arginine at codon 356 is replaced by tryptophan, an amino acid with dissimilar properties. This amino acid position is conserved. In addition, the in silico prediction for this alteration is inconclusive. Since supporting evidence is limited at this time, the clinical significance of this alteration remains unclear.

Illumina Laboratory Services, Illumina
Classification: Uncertain significance for Neuronopathy, distal hereditary motor, autosomal recessive 4. Last evaluated: 2018-01-12. Review status: criteria provided, single submitter. Criteria: ICSL Variant Classification Criteria 13 December 2019. Collection method: clinical testing. Allele origin: germline.

NM_020631.6(PLEKHG5):c.1066C>T (p.Arg356Trp)

Gene: PLEKHG5 (pleckstrin homology and RhoGEF domain containing G5; minus strand). Cytogenetic location: 1p36.31.
Variant type: single nucleotide variant.
Coding change: c.1066C>T on transcript NM_020631.6 (MANE Select); coding-DNA position 1066, C replaced by T.
Protein change: p.Arg356Trp; replaces arginine 356 with tryptophan.
Molecular consequence: missense variant.
Genome position (GRCh38, 1-based): chr1:6,472,541, G>A on the plus strand (C>T on the coding strand, the complement: PLEKHG5 is on the minus strand). VCF-style: chr1-6472541-G-A. GRCh37 (hg19) VCF-style: chr1-6532601-G-A.
Other names: c.1066C>T, p.Arg356Trp (NM_001265594.3, NM_198681.4, NM_001042664.2 and 1 more transcripts); c.1177C>T, p.Arg393Trp (NM_001042663.3, NM_001265592.2); c.1273C>T, p.Arg425Trp (NM_001265593.2); short protein forms R356W, R425W, R393W.
Identifiers: ClinVar variation 536784 (VCV000536784.36), dbSNP rs764053619, ClinGen allele CA561664.